The following is an entry in ClinVar:

NM_000038.6(APC):c.942G>A (p.Met314Ile)

Gene: APC (APC regulator of Wnt signaling pathway; plus strand). Cytogenetic location: 5q22.2.
Variant type: single nucleotide variant.
Coding change: c.942G>A on transcript NM_000038.6 (MANE Select); coding-DNA position 942, G replaced by A.
Protein change: p.Met314Ile; replaces methionine 314 with isoleucine.
Molecular consequence: missense variant. On other transcripts: intron variant (4).
Genome position (GRCh38, 1-based): chr5:112,818,974, G>A. VCF-style: chr5-112818974-G-A. GRCh37 (hg19) VCF-style: chr5-112154671-G-A.
Other names: c.942G>A, p.Met314Ile (NM_001127510.3, NM_001354895.2, NM_001354896.2); c.888G>A, p.Met296Ile (NM_001127511.3); c.972G>A, p.Met324Ile (NM_001354897.2); c.867G>A, p.Met289Ile (NM_001354898.2); c.858G>A, p.Met286Ile (NM_001354899.2); c.765G>A, p.Met255Ile (NM_001354900.2, NM_001354901.2); c.93G>A, p.Met31Ile (NM_001354906.2); c.964-295G>A (NM_001354902.2); and 3 more; short protein forms M314I, M296I, M289I, M31I, M324I, M255I, M286I.
Identifiers: ClinVar variation 575417 (VCV000575417.11), dbSNP rs1350080370, ClinGen allele CA16023371.

ClinVar aggregate classification (germline): Uncertain significance. Review status: criteria provided, multiple submitters, no conflicts (2 of 4 stars). 2 submissions from 2 submitters: Uncertain significance (2). Last evaluated 2025-03-06.

Conditions:
Hereditary cancer-predisposing syndrome. Also called: Tumor predisposition; Hereditary neoplastic syndrome; Hereditary Cancer Syndrome; Neoplastic Syndromes, Hereditary. Identifiers: Orphanet 140162, MedGen C0027672, MeSH D009386, MONDO:0015356.
Familial adenomatous polyposis 1 (FAP1). Also called: POLYPOSIS, ADENOMATOUS INTESTINAL; FAMILIAL ADENOMATOUS POLYPOSIS 1, ATTENUATED. Identifiers: MedGen C2713442, MONDO:0021056, OMIM 175100. Disease mechanism: loss of function.

Allele frequency attached by ClinVar (database versions not stated): gnomAD exomes below 0.00001.

Submissions (2):

Ambry Genetics
Classification: Uncertain significance for Hereditary cancer-predisposing syndrome. Last evaluated: 2025-03-06. Review status: criteria provided, single submitter. Criteria: Ambry Variant Classification Scheme 2023. Collection method: clinical testing. Allele origin: germline.
Comment: The p.M314I variant (also known as c.942G>A), located in coding exon 9 of the APC gene, results from a G to A substitution at nucleotide position 942. The methionine at codon 314 is replaced by isoleucine, an amino acid with highly similar properties. This amino acid position is highly conserved in available vertebrate species. Based on the available evidence, the clinical significance of this variant remains unclear.

Labcorp Genetics (formerly Invitae), Labcorp
Classification: Uncertain significance for Familial adenomatous polyposis 1. Last evaluated: 2018-01-26. Review status: criteria provided, single submitter. Criteria: Invitae Variant Classification Sherloc (09022015). Collection method: clinical testing. Allele origin: germline.
Comment: This sequence change replaces methionine with isoleucine at codon 314 of the APC protein (p.Met314Ile). The methionine residue is highly conserved and there is a small physicochemical difference between methionine and isoleucine. This variant is not present in population databases (ExAC no frequency). In summary, the available evidence is currently insufficient to determine the role of this variant in disease. Therefore, it has been classified as a Variant of Uncertain Significance. Algorithms developed to predict the effect of missense changes on protein structure and function (SIFT, PolyPhen-2, Align-GVGD) all suggest that this variant is likely to be tolerated, but these predictions have not been confirmed by published functional studies and their clinical significance is uncertain. This variant has not been reported in the literature in individuals with APC-related disease.